The following is an entry in ClinVar:

NM_001267550.2(TTN):c.106374+3A>G

Genes: TTN (titin; minus strand), TTN-AS1 (TTN antisense RNA 1; plus strand). Cytogenetic location: 2q31.2.
Variant type: single nucleotide variant.
Coding change: c.106374+3A>G on transcript NM_001267550.2 (MANE Select); 3 bases into the intron after coding-DNA position 106374, A replaced by G.
Molecular consequence: intron variant.
Genome position (GRCh38, 1-based): chr2:178,530,238, T>C on the plus strand (A>G on the coding strand, the complement: TTN is on the minus strand). VCF-style: chr2-178530238-T-C. GRCh37 (hg19) VCF-style: chr2-179394965-T-C.
Other names: c.79179+3A>G (NM_003319.4); c.79755+3A>G (NM_133437.4); c.79554+3A>G (NM_133432.3); c.98670+3A>G (NM_133378.4); c.101451+3A>G (NM_001256850.1).
Identifiers: ClinVar variation 1329104 (VCV001329104.8), dbSNP rs976515961, ClinGen allele CA60953193.

ClinVar aggregate classification (germline): Uncertain significance. Review status: criteria provided, multiple submitters, no conflicts (2 of 4 stars). 3 submissions from 3 submitters: Uncertain significance (3). Last evaluated 2025-11-18.

Conditions:
Dilated cardiomyopathy 1G (CMD1G). Identifiers: Orphanet 154, MedGen C1858763, MONDO:0011400, OMIM 604145.
Autosomal recessive limb-girdle muscular dystrophy type 2J (LGMDR10). Also called: Limb-girdle muscular dystrophy, type 2J; MUSCULAR DYSTROPHY, LIMB-GIRDLE, AUTOSOMAL RECESSIVE 10. Identifiers: Orphanet 140922, MedGen C1837342, MONDO:0012127, OMIM 608807.
Cardiomyopathy (CMYO). Also called: Cardiomyopathies. Identifiers: Orphanet 167848, MedGen C0878544, MONDO:0004994, HP:0001638. Inheritance: Various modes of inheritance.

Allele frequency attached by ClinVar (database versions not stated): gnomAD 0.00001; gnomAD exomes 0.00001; TOPMed 0.00002.
gnomAD v4.1: 5 of 1,589,662 alleles (0.00031%); highest among the groups gnomAD compares: Non-Finnish European, 0.00043%; no homozygotes.

Submissions (3):

Labcorp Genetics (formerly Invitae), Labcorp
Classification: Uncertain significance for Dilated cardiomyopathy 1G; Autosomal recessive limb-girdle muscular dystrophy type 2J. Last evaluated: 2025-11-18. Review status: criteria provided, single submitter. Criteria: Invitae Variant Classification Sherloc (09022015). Collection method: clinical testing. Allele origin: germline.
Comment: This sequence change falls in intron 358 of the TTN gene. It does not directly change the encoded amino acid sequence of the TTN protein. It affects a nucleotide within the consensus splice site. This variant is not present in population databases (gnomAD no frequency). This variant has not been reported in the literature in individuals affected with TTN-related conditions. ClinVar contains an entry for this variant (Variation ID: 1329104). Experimental studies and prediction algorithms are not available or were not evaluated, and the functional significance of this variant is currently unknown. Variants that disrupt the consensus splice site are a relatively common cause of aberrant splicing (PMID: 17576681, 9536098). Algorithms developed to predict the effect of sequence changes on RNA splicing suggest that this variant is not likely to affect RNA splicing. This variant is located in the M band of TTN (PMID: 25589632). Non-truncating variants in this region may be relevant for neuromuscular disorders, but have not been definitively shown to cause cardiomyopathy (PMID: 23975875). In summary, the available evidence is currently insufficient to determine the role of this variant in disease. Therefore, it has been classified as a Variant of Uncertain Significance.

Blueprint Genetics
Classification: Uncertain significance. Last evaluated: 2022-10-06. Review status: criteria provided, single submitter. Criteria: ACMG Guidelines, 2015. Collection method: clinical testing. Allele origin: germline.

CHEO Genetics Diagnostic Laboratory, Children's Hospital of Eastern Ontario
Classification: Uncertain significance for Cardiomyopathy. Last evaluated: 2019-11-21. Review status: criteria provided, single submitter. Criteria: ACMG Guidelines, 2015. Collection method: clinical testing. Allele origin: germline.

Literature cited by the submitters: PubMed 17576681 (cited by Labcorp Genetics (formerly Invitae), Labcorp); PubMed 9536098 (cited by Labcorp Genetics (formerly Invitae), Labcorp); PubMed 25589632 (cited by Labcorp Genetics (formerly Invitae), Labcorp); PubMed 23975875 (cited by Labcorp Genetics (formerly Invitae), Labcorp).